The following is an entry in ClinVar:

ClinVar aggregate classification (germline): Uncertain significance (1 of 4 stars; one submission).

Allele frequency attached by ClinVar (database versions not stated): TOPMed below 0.00001; gnomAD 0.00001; gnomAD exomes 0.00003.
gnomAD v4.1: 52 of 1,612,240 alleles (0.0032%); highest among the groups gnomAD compares: South Asian, 0.016%; no homozygotes.

Submission:

Labcorp Genetics (formerly Invitae), Labcorp
Classification: Uncertain significance. Last evaluated: 2022-08-16. Review status: criteria provided, single submitter. Criteria: Invitae Variant Classification Sherloc (09022015). Collection method: clinical testing. Allele origin: germline.
Comment: This sequence change replaces valine, which is neutral and non-polar, with isoleucine, which is neutral and non-polar, at codon 27 of the TUBGCP4 protein (p.Val27Ile). This variant is present in population databases (rs759540925, gnomAD 0.01%). This variant has not been reported in the literature in individuals affected with TUBGCP4-related conditions. ClinVar contains an entry for this variant (Variation ID: 1001800). Algorithms developed to predict the effect of missense changes on protein structure and function (SIFT, PolyPhen-2, Align-GVGD) all suggest that this variant is likely to be disruptive. Algorithms developed to predict the effect of sequence changes on RNA splicing suggest that this variant may create or strengthen a splice site. In summary, the available evidence is currently insufficient to determine the role of this variant in disease. Therefore, it has been classified as a Variant of Uncertain Significance.

NM_014444.5(TUBGCP4):c.79G>A (p.Val27Ile)

Gene: TUBGCP4 (tubulin gamma complex component 4; plus strand). Cytogenetic location: 15q15.3.
Variant type: single nucleotide variant.
Coding change: c.79G>A on transcript NM_014444.5 (MANE Select); coding-DNA position 79, G replaced by A.
Protein change: p.Val27Ile; replaces valine 27 with isoleucine.
Molecular consequence: missense variant.
Genome position (GRCh38, 1-based): chr15:43,376,098, G>A. VCF-style: chr15-43376098-G-A. GRCh37 (hg19) VCF-style: chr15-43668296-G-A.
Other names: c.79G>A, p.Val27Ile (NM_001286414.3); short protein forms V27I.
Identifiers: ClinVar variation 1001800 (VCV001001800.5), dbSNP rs759540925, ClinGen allele CA7523650.